The following is an entry in ClinVar:

NM_018706.7(DHTKD1):c.825G>A (p.Ala275=)

Gene: DHTKD1 (dehydrogenase E1 and transketolase domain containing 1; plus strand). Cytogenetic location: 10p14.
Variant type: single nucleotide variant.
Coding change: c.825G>A on transcript NM_018706.7 (MANE Select); coding-DNA position 825, G replaced by A.
Protein change: p.Ala275=; no amino-acid change (alanine 275 retained).
Molecular consequence: synonymous variant.
Genome position (GRCh38, 1-based): chr10:12,089,093, G>A. VCF-style: chr10-12089093-G-A. GRCh37 (hg19) VCF-style: chr10-12131092-G-A.
Other names: c.825G>A (NM_018706.6).
Identifiers: ClinVar variation 2730782 (VCV002730782.5), dbSNP rs749394389, ClinGen allele CA5407659.
Genomic context (GRCh38, chr10:12,089,093, plus strand): 5'-CTCAGCCACTGGAGACGTCCTGTCTCACCTGACCTCCTCTGTGGACCTGTACTTTGGGGC[G>A]CACCATCCCCTCCATGTGACAATGTTGCCCAATCCCTCGCACCTGGAGGCCGTCAACCCC-3'
Protein context (NP_061176.4, residues 265-285): LTSSVDLYFG[Ala275=]HHPLHVTMLP

ClinVar aggregate classification (germline): Likely benign. Review status: criteria provided, single submitter (1 of 4 stars). 2 submissions from 2 submitters: Likely benign (1). 1 of the submissions does not count toward it. Last evaluated 2025-04-17.

Conditions:
DHTKD1-related disorder. Also called: DHTKD1-related condition.
2-aminoadipic 2-oxoadipic aciduria (AAKAD). Also called: Aminoadipic aciduria; ALPHA-AMINOADIPIC AND ALPHA-KETOADIPIC ACIDURIA. Identifiers: Orphanet 79154, MedGen C1859817, MONDO:0008774, OMIM 204750.

Allele frequency attached by ClinVar (database versions not stated): ExAC 0.00002; TOPMed 0.00002; gnomAD 0.00005.
gnomAD v4.1: 53 of 1,614,120 alleles (0.0033%); highest among the groups gnomAD compares: Middle Eastern, 0.016%; no homozygotes.

Submissions (2):

Labcorp Genetics (formerly Invitae), Labcorp
Classification: Likely benign for 2-aminoadipic 2-oxoadipic aciduria. Last evaluated: 2025-04-17. Review status: criteria provided, single submitter. Criteria: Invitae Variant Classification Sherloc (09022015). Collection method: clinical testing. Allele origin: germline.

PreventionGenetics, part of Exact Sciences
Classification: Likely benign for DHTKD1-related condition. Last evaluated: 2019-08-20. Review status: no assertion criteria provided. Collection method: clinical testing. Allele origin: germline. Not counted in ClinVar's aggregate classification.
Comment: This variant is classified as likely benign based on ACMG/AMP sequence variant interpretation guidelines (Richards et al. 2015 PMID: 25741868, with internal and published modifications).